The following is an entry in ClinVar:

ClinVar aggregate classification (germline): Uncertain significance (1 of 4 stars; one submission).

Allele frequency attached by ClinVar (database versions not stated): TOPMed below 0.00001; gnomAD 0.00001.
gnomAD v4.1: 1 of 1,610,390 alleles (0.000062%); highest among the groups gnomAD compares: African/African-American, 0.0013%; no homozygotes.

Submission:

Laboratory for Molecular Medicine, Mass General Brigham Personalized Medicine
Classification: Uncertain significance. Last evaluated: 2014-07-16. Review status: criteria provided, single submitter. Criteria: LMM Criteria. Collection method: clinical testing. Allele origin: germline. Observed: 1 variant allele.
Comment: The Thr734Pro variant in SOS1 has not been reported in individuals with clinical features of Noonan syndrome or in large population studies. Computational predi ction tools and evolutionary conservation analysis do not provide strong support for or against an impact to the protein. In summary, the clinical significance of the Thr734Pro variant is uncertain.

NM_005633.4(SOS1):c.2200A>C (p.Thr734Pro)

Gene: SOS1 (SOS Ras/Rac guanine nucleotide exchange factor 1; minus strand). Cytogenetic location: 2p22.1.
Variant type: single nucleotide variant.
Coding change: c.2200A>C on transcript NM_005633.4 (MANE Select); coding-DNA position 2200, A replaced by C.
Protein change: p.Thr734Pro; replaces threonine 734 with proline.
Molecular consequence: missense variant.
Genome position (GRCh38, 1-based): chr2:39,012,316, T>G on the plus strand (A>C on the coding strand, the complement: SOS1 is on the minus strand). VCF-style: chr2-39012316-T-G. GRCh37 (hg19) VCF-style: chr2-39239457-T-G.
Other names: c.2179A>C, p.Thr727Pro (NM_001382394.1); c.2200A>C, p.Thr734Pro (NM_001382395.1); short protein forms T734P, T727P.
Identifiers: ClinVar variation 165281 (VCV000165281.5), dbSNP rs727503437, ClinGen allele CA178024.